The following is an entry in ClinVar:

NM_000466.3(PEX1):c.472+5G>A

Gene: PEX1 (peroxisomal biogenesis factor 1; minus strand). Cytogenetic location: 7q21.2.
Variant type: single nucleotide variant.
Coding change: c.472+5G>A on transcript NM_000466.3 (MANE Select); 5 bases into the intron after coding-DNA position 472, G replaced by A.
Molecular consequence: intron variant.
Genome position (GRCh38, 1-based): chr7:92,518,136, C>T on the plus strand (G>A on the coding strand, the complement: PEX1 is on the minus strand). VCF-style: chr7-92518136-C-T. GRCh37 (hg19) VCF-style: chr7-92147450-C-T.
Other names: c.472+5G>A (NM_001282677.2); c.-153+5G>A (NM_001282678.2).
Identifiers: ClinVar variation 928944 (VCV000928944.14), dbSNP rs1792887658, ClinGen allele CA1139659844.

ClinVar aggregate classification (germline): Uncertain significance. Review status: criteria provided, multiple submitters, no conflicts (2 of 4 stars). 3 submissions from 3 submitters: Uncertain significance (2). 1 of the submissions does not count toward it. Last evaluated 2019-10-06.

Conditions:
Zellweger spectrum disorders (ZS). Also called: Zellweger Spectrum Disorder; Zellweger Spectrum; Zellweger Spectrum Disorder (ZSD); Zellweger syndrome. Identifiers: Orphanet 912, MedGen C0043459, MONDO:0019609.

Submissions (3):

Labcorp Genetics (formerly Invitae), Labcorp
Classification: Uncertain significance for Zellweger spectrum disorders. Last evaluated: 2019-10-06. Review status: criteria provided, single submitter. Criteria: Invitae Variant Classification Sherloc (09022015). Collection method: clinical testing. Allele origin: germline.
Comment: Nucleotide substitutions within the consensus splice site are a relatively common cause of aberrant splicing (PMID: 17576681, 9536098). Algorithms developed to predict the effect of sequence changes on RNA splicing suggest that this variant may disrupt the consensus splice site, but this prediction has not been confirmed by published transcriptional studies. This variant has not been reported in the literature in individuals with PEX1-related conditions. This variant is not present in population databases (ExAC no frequency). This sequence change falls in intron 4 of the PEX1 gene. It does not directly change the encoded amino acid sequence of the PEX1 protein, but it affects a nucleotide within the consensus splice site of the intron. In summary, the available evidence is currently insufficient to determine the role of this variant in disease. Therefore, it has been classified as a Variant of Uncertain Significance.

Women's Health and Genetics/Laboratory Corporation of America, LabCorp
Classification: Uncertain significance. Last evaluated: 2019-05-24. Review status: criteria provided, single submitter. Criteria: LabCorp Variant Classification Summary - May 2015. Collection method: clinical testing. Allele origin: germline.
Comment: Variant summary: PEX1 c.472+5G>A alters a nucleotide located close to a canonical splice site and therefore could affect mRNA splicing, leading to a significantly altered protein sequence. Several computational tools predict a significant impact on normal splicing: Two predict the variant abolishes a 5 splicing donor site. Two predict the variant weakens a 5' donor site. However, these predictions have yet to be confirmed by functional studies. The variant was absent in 251376 control chromosomes. The available data on variant occurrences in the general population are insufficient to allow any conclusion about variant significance. To our knowledge, no occurrence of c.472+5G>A in individuals affected with Zellweger Syndrome and no experimental evidence demonstrating its impact on protein function have been reported. No clinical diagnostic laboratories have submitted clinical-significance assessments for this variant to ClinVar after 2014. Based on the evidence outlined above, the variant was classified as uncertain significance.

Natera, Inc.
Classification: Uncertain significance for Zellweger syndrome. Last evaluated: 2021-05-19. Review status: no assertion criteria provided. Collection method: clinical testing. Allele origin: germline. Not counted in ClinVar's aggregate classification.

Literature cited by the submitters: PubMed 17576681 (cited by Labcorp Genetics (formerly Invitae), Labcorp); PubMed 9536098 (cited by Labcorp Genetics (formerly Invitae), Labcorp).